The following is an entry in ClinVar:

ClinVar aggregate classification (germline): Conflicting classifications of pathogenicity. Review status: criteria provided, conflicting classifications (1 of 4 stars). 5 submissions from 5 submitters: Uncertain significance (3); Benign (1); Likely benign (1). Last evaluated 2025-10-21.

Conditions:
CPOX-related neurovisceral and phototoxic porphyria. Also called: CPOX-related hereditary coproporphyria. Identifiers: MedGen CN322458, MONDO:0800180.
Hereditary coproporphyria (HCP). Also called: COPROPORPHYRINOGEN OXIDASE DEFICIENCY; CPO DEFICIENCY; CPOX DEFICIENCY; CPX DEFICIENCY; Hereditary coproporphyria porphyria; Porphyria hepatica coproporphyria. Identifiers: Orphanet 79273, MedGen C0162531, MONDO:0007369, OMIM 121300.

Allele frequency attached by ClinVar (database versions not stated): gnomAD 0.00010 and 0.00011; gnomAD exomes 0.00011 and 0.00025; ESP Exome Variant Server 0.00008; TOPMed 0.00012; ExAC 0.00025.

Submissions (5):

Labcorp Genetics (formerly Invitae), Labcorp
Classification: Likely benign. Last evaluated: 2025-10-21. Review status: criteria provided, single submitter. Criteria: Invitae Variant Classification Sherloc (09022015). Collection method: clinical testing. Allele origin: germline.

Blueprint Genetics
Classification: Uncertain significance. Last evaluated: 2024-01-22. Review status: criteria provided, single submitter. Criteria: ACMG Guidelines, 2015. Collection method: clinical testing. Allele origin: germline.

Department of Pathology and Laboratory Medicine, Sinai Health System
Classification: Uncertain significance for CPOX-related hereditary coproporphyria. Last evaluated: 2021-07-30. Review status: criteria provided, single submitter. Criteria: ACMG Guidelines, 2015. Collection method: research. Allele origin: germline.

GeneDx
Classification: Uncertain significance. Last evaluated: 2019-08-10. Review status: criteria provided, single submitter. Criteria: GeneDx Variant Classification Process June 2021. Collection method: clinical testing. Allele origin: germline. Affected: yes.
Comment: In silico analysis, which includes protein predictors and evolutionary conservation, supports that this variant does not alter protein structure/function; Has not been previously published as pathogenic or benign to our knowledge

Illumina Laboratory Services, Illumina
Classification: Benign for Hereditary coproporphyria. Last evaluated: 2018-01-13. Review status: criteria provided, single submitter. Criteria: ICSL Variant Classification Criteria 13 December 2019. Collection method: clinical testing. Allele origin: germline.
Comment: This variant was observed in the ICSL laboratory as part of a predisposition screen in an ostensibly healthy population. It had not been previously curated by ICSL or reported in the Human Gene Mutation Database (HGMD: prior to June 1st, 2018), and was therefore a candidate for classification through an automated scoring system. Utilizing variant allele frequency, disease prevalence and penetrance estimates, and inheritance mode, an automated score was calculated to assess if this variant is too frequent to cause the disease. Based on the score and internal cut-off values, a variant classified as benign is not then subjected to further curation. The score for this variant resulted in a classification of benign for this disease.

NM_000097.7(CPOX):c.299A>T (p.Glu100Val)

Genes: CPOX (coproporphyrinogen oxidase; minus strand), LOC129937121 (ATAC-STARR-seq lymphoblastoid silent region 14560; plus strand). Cytogenetic location: 3q11.2.
Variant type: single nucleotide variant.
Coding change: c.299A>T on transcript NM_000097.7 (MANE Select); coding-DNA position 299, A replaced by T.
Protein change: p.Glu100Val; replaces glutamic acid 100 with valine.
Molecular consequence: missense variant.
Genome position (GRCh38, 1-based): chr3:98,593,206, T>A on the plus strand (A>T on the coding strand, the complement: CPOX is on the minus strand). VCF-style: chr3-98593206-T-A. GRCh37 (hg19) VCF-style: chr3-98312050-T-A.
Other names: c.299A>T, p.Glu100Val (LRG_1077t1); short protein forms E100V.
Identifiers: ClinVar variation 346987 (VCV000346987.15), dbSNP rs367822877, ClinGen allele CA2511736.